The following is an entry in ClinVar:

NM_001365951.3(KIF1B):c.2538-1G>A

Gene: KIF1B (kinesin family member 1B; plus strand). Cytogenetic location: 1p36.22.
Variant type: single nucleotide variant.
Coding change: c.2538-1G>A on transcript NM_001365951.3 (MANE Select); the canonical splice acceptor site of the intron before coding-DNA position 2538, G replaced by A.
Molecular consequence: splice acceptor variant.
Genome position (GRCh38, 1-based): chr1:10,324,757, G>A. VCF-style: chr1-10324757-G-A. GRCh37 (hg19) VCF-style: chr1-10384815-G-A.
Other names: c.2400-1G>A (NM_015074.3); c.2538-1G>A (NM_001365952.1).
Identifiers: ClinVar variation 1790726 (VCV001790726.2), dbSNP rs2521629120, ClinGen allele CA338335343.
Genomic context (GRCh38, chr1:10,324,757, plus strand): 5'-AAGTGAAAGTTTAATGCAATCTCATTATATTAACCCAATGTGCTTTGTGTTTACTAAATA[G>A]GCAGAGGCTGGATTTGATGCGAGAGATGTATGATAGGGCAGGGGAGATGGCCTCCAGTGC-3'

ClinVar aggregate classification (germline): Uncertain significance (1 of 4 stars; one submission).

Allele frequency attached by ClinVar (database versions not stated): gnomAD exomes below 0.00001.
gnomAD v4.1: 1 of 1,613,802 alleles (0.000062%); highest among the groups gnomAD compares: Non-Finnish European, 0.000085%; no homozygotes.

Submission:

Ambry Genetics
Classification: Uncertain significance. Last evaluated: 2021-11-23. Review status: criteria provided, single submitter. Criteria: Ambry Variant Classification Scheme 2023. Collection method: clinical testing. Allele origin: germline.
Comment: The c.2400-1G>A intronic variant results from a G to A substitution one nucleotide upstream from coding exon 23 of the KIF1B gene. This nucleotide position is highly conserved in available vertebrate species. In silico splice site analysis predicts that this alteration will weaken the native splice acceptor site and will result in the creation or strengthening of a novel splice acceptor site. Alterations that disrupt the canonical splice site are expected to cause aberrant splicing, resulting in an abnormal protein or a transcript that is subject to nonsense-mediated mRNA decay. However, loss of function of KIF1B has not been clearly established as a mechanism of disease. Since supporting evidence is limited at this time, the clinical significance of this alteration remains unclear.